The following is an entry in ClinVar:

ClinVar aggregate classification (germline): Benign/Likely benign. Review status: criteria provided, multiple submitters, no conflicts (2 of 4 stars). 5 submissions from 4 submitters: Benign (1); Likely benign (4). Last evaluated 2025-12-06.

Conditions:
Neuroferritinopathy (NBIA3). Also called: NEURODEGENERATION WITH BRAIN IRON ACCUMULATION 3; BASAL GANGLIA DISEASE, ADULT-ONSET. Identifiers: Orphanet 157846, MedGen C1853578, MONDO:0011638, OMIM 606159.
Hereditary hyperferritinemia with congenital cataracts. Also called: Hereditary hyperferritinemia cataract syndrome; Bonneau-Beaumont syndrome; HYPERFERRITINEMIA WITH OR WITHOUT CATARACT. Identifiers: Orphanet 163, MedGen C1833213, MONDO:0010952, OMIM 600886.
FTL-related disorder. Also called: FTL-related condition.

Allele frequency attached by ClinVar (database versions not stated): ExAC 0.00007; gnomAD exomes 0.00007 and 0.00009; gnomAD 0.00008 and 0.00009; TOPMed 0.00008; ESP Exome Variant Server 0.00023.

Submissions (5):

Labcorp Genetics (formerly Invitae), Labcorp
Classification: Likely benign for Neuroferritinopathy; Hereditary hyperferritinemia with congenital cataracts. Last evaluated: 2025-12-06. Review status: criteria provided, single submitter. Criteria: Invitae Variant Classification Sherloc (09022015). Collection method: clinical testing. Allele origin: germline.

CeGaT Center for Human Genetics Tuebingen
Classification: Likely benign. Last evaluated: 2025-11-01. Review status: criteria provided, single submitter. Criteria: CeGaT Center For Human Genetics Tuebingen Variant Classification Criteria Version 2. Collection method: clinical testing. Allele origin: germline. Affected: yes. Observed: 3 variant alleles.
Comment: FTL: BP4

PreventionGenetics, part of Exact Sciences
Classification: Likely benign for FTL-related condition. Last evaluated: 2024-11-24. Review status: criteria provided, single submitter. Criteria: ACMG Guidelines, 2015. Collection method: clinical testing. Allele origin: germline.
Comment: This variant is classified as likely benign based on ACMG/AMP sequence variant interpretation guidelines (Richards et al. 2015 PMID: 25741868, with internal and published modifications).

Illumina Laboratory Services, Illumina
Classification: Benign for Neuroferritinopathy. Last evaluated: 2018-01-13. Review status: criteria provided, single submitter. Criteria: ICSL Variant Classification Criteria 13 December 2019. Collection method: clinical testing. Allele origin: germline.
Comment: This variant was observed in the ICSL laboratory as part of a predisposition screen in an ostensibly healthy population. It had not been previously curated by ICSL or reported in the Human Gene Mutation Database (HGMD: prior to June 1st, 2018), and was therefore a candidate for classification through an automated scoring system. Utilizing variant allele frequency, disease prevalence and penetrance estimates, and inheritance mode, an automated score was calculated to assess if this variant is too frequent to cause the disease. Based on the score and internal cut-off values, a variant classified as benign is not then subjected to further curation. The score for this variant resulted in a classification of benign for this disease.

Illumina Laboratory Services, Illumina
Classification: Likely benign for Hereditary hyperferritinemia with congenital cataracts. Last evaluated: 2018-01-13. Review status: criteria provided, single submitter. Criteria: ICSL Variant Classification Criteria 13 December 2019. Collection method: clinical testing. Allele origin: germline.
Comment: This variant was observed in the ICSL laboratory as part of a predisposition screen in an ostensibly healthy population. It had not been previously curated by ICSL or reported in the Human Gene Mutation Database (HGMD: prior to June 1st, 2018), and was therefore a candidate for classification through an automated scoring system. Utilizing variant allele frequency, disease prevalence and penetrance estimates, and inheritance mode, an automated score was calculated to assess if this variant is too frequent to cause the disease. Based on the score and internal cut-off values, a variant classified as likely benign is not then subjected to further curation. The score for this variant resulted in a classification of likely benign for this disease.

NM_000146.4(FTL):c.250-6A>G

Gene: FTL (ferritin light chain; plus strand). Cytogenetic location: 19q13.33.
Variant type: single nucleotide variant.
Coding change: c.250-6A>G on transcript NM_000146.4 (MANE Select); 6 bases into the intron before coding-DNA position 250, A replaced by G.
Molecular consequence: intron variant.
Genome position (GRCh38, 1-based): chr19:48,966,275, A>G. VCF-style: chr19-48966275-A-G. GRCh37 (hg19) VCF-style: chr19-49469532-A-G.
Identifiers: ClinVar variation 425194 (VCV000425194.55), dbSNP rs370216913, ClinGen allele CA9562519.